The following is an entry in ClinVar:

ClinVar aggregate classification (germline): Uncertain significance (1 of 4 stars; one submission).

Submission:

Labcorp Genetics (formerly Invitae), Labcorp
Classification: Uncertain significance. Last evaluated: 2021-12-02. Review status: criteria provided, single submitter. Criteria: Invitae Variant Classification Sherloc (09022015). Collection method: clinical testing. Allele origin: germline.
Comment: This sequence change replaces glycine, which is neutral and non-polar, with phenylalanine, which is neutral and non-polar, at codon 127 of the RPS6KC1 protein (p.Gly127Phe). This variant also falls at the last nucleotide of exon 5, which is part of the consensus splice site for this exon. In summary, the available evidence is currently insufficient to determine the role of this variant in disease. Therefore, it has been classified as a Variant of Uncertain Significance. Variants that disrupt the consensus splice site are a relatively common cause of aberrant splicing (PMID: 17576681, 9536098). Algorithms developed to predict the effect of sequence changes on RNA splicing suggest that this variant may disrupt the consensus splice site. Algorithms developed to predict the effect of missense changes on protein structure and function are either unavailable or do not agree on the potential impact of this missense change (SIFT: "Not Available"; PolyPhen-2: "Probably Damaging"; Align-GVGD: "Not Available"). This variant has not been reported in the literature in individuals affected with RPS6KC1-related conditions. Information on the frequency of this variant in the gnomAD database is not available, as this variant may be reported differently in the database.

Literature cited by the submitters: PubMed 17576681; PubMed 9536098.

NM_012424.6(RPS6KC1):c.379_380delinsTT (p.Gly127Phe)

Gene: RPS6KC1 (ribosomal protein S6 kinase C1; plus strand). Cytogenetic location: 1q32.3.
Variant type: Indel.
Coding change: c.379_380delinsTT on transcript NM_012424.6 (MANE Select); coding-DNA positions 379 to 380, GG replaced by TT.
Protein change: p.Gly127Phe; replaces glycine 127 with phenylalanine.
Molecular consequence: missense variant. On other transcripts: 5 prime UTR variant (24), non-coding transcript variant (3), intron variant (3).
Genome position (GRCh38, 1-based): chr1:213,117,317-213,117,318, GG replaced by TT. VCF-style: chr1-213117317-GG-TT. GRCh37 (hg19) VCF-style: chr1-213290659-GG-TT.
Other names: c.343_344delinsTT, p.Gly115Phe (NM_001136138.4); c.-243_-242delinsTT (NM_001287218.3, NM_001349650.2, NM_001349653.2 and 1 more transcripts); c.-165_-164delinsTT (NM_001287219.3, NM_001287221.3, NM_001349648.2 and 1 more transcripts); c.-836_-835delinsTT (NM_001287220.3, NM_001349666.2, NM_001349667.2 and 1 more transcripts); c.379_380delinsTT, p.Gly127Phe (NM_001349646.2, NM_001349647.2); c.-364_-363delinsTT (NM_001349651.2); c.-314_-313delinsTT (NM_001349652.2); c.-150_-149delinsTT (NM_001349658.2); and 9 more; short protein forms G115F, G127F.
Identifiers: ClinVar variation 1396068 (VCV001396068.6), dbSNP rs2148892769, ClinGen allele CA2573131514.
Genomic context (GRCh38, chr1:213,117,317, plus strand): 5'-TTATTTAGTGTTGTTTATGCTCTTAATGCTAATGAAACACAATTGCTCTTATCTCTTTAG[GG>TT]TGGAATAATTAATGATAGTTCTGAATTAATTGGTCCTGCTGAAGCTCACTCAGATTCCCT-3'
Protein context (NP_036556.2, residues 117-137): NSKQLEDFFK[Gly127Phe]GIINDSSELI